The following is an entry in ClinVar:

ClinVar aggregate classification (germline): Uncertain significance (1 of 4 stars; one submission).

Conditions:
Desmin-related myofibrillar myopathy (MFM1). Also called: Desminopathy; DESMIN-RELATED MYOPATHY WITH ARRHYTHMOGENIC RIGHT VENTRICULAR CARDIOMYOPATHY; Myofibrillar myopathy 1; Desmin related myopathy (former name); Desmin storage myopathy (former name); MYOFIBRILLAR MYOPATHY WITH ARRHYTHMOGENIC RIGHT VENTRICULAR CARDIOMYOPATHY. Identifiers: Orphanet 363543, Orphanet 98909, MedGen C1832370, MONDO:0011076, OMIM 601419.

Submission:

Labcorp Genetics (formerly Invitae), Labcorp
Classification: Uncertain significance for Desmin-related myofibrillar myopathy. Last evaluated: 2021-11-23. Review status: criteria provided, single submitter. Criteria: Invitae Variant Classification Sherloc (09022015). Collection method: clinical testing. Allele origin: germline.
Comment: In summary, the available evidence is currently insufficient to determine the role of this variant in disease. Therefore, it has been classified as a Variant of Uncertain Significance. Algorithms developed to predict the effect of missense changes on protein structure and function are either unavailable or do not agree on the potential impact of this missense change (SIFT: "Deleterious"; PolyPhen-2: "Not Available"; Align-GVGD: "Class C0"). This variant has not been reported in the literature in individuals affected with DES-related conditions. This variant is not present in population databases (gnomAD no frequency). This sequence change replaces serine, which is neutral and polar, with isoleucine, which is neutral and non-polar, at codon 47 of the DES protein (p.Ser47Ile).

NM_001927.4(DES):c.140G>T (p.Ser47Ile)

Gene: DES (desmin; plus strand). Cytogenetic location: 2q35.
Variant type: single nucleotide variant.
Coding change: c.140G>T on transcript NM_001927.4 (MANE Select); coding-DNA position 140, G replaced by T.
Protein change: p.Ser47Ile; replaces serine 47 with isoleucine.
Molecular consequence: missense variant.
Genome position (GRCh38, 1-based): chr2:219,418,602, G>T. VCF-style: chr2-219418602-G-T. GRCh37 (hg19) VCF-style: chr2-220283324-G-T.
Other names: c.140G>T, p.Ser47Ile (NM_001382708.1, NM_001382709.1, NM_001382710.1 and 3 more transcripts); short protein forms S47I.
Identifiers: ClinVar variation 1495512 (VCV001495512.6), dbSNP rs2125165917, ClinGen allele CA350683312.
Genomic context (GRCh38, chr2:219,418,602, plus strand): 5'-GCTCCCCGCTGAGTTCGCCCGTGTTCCCGCGGGCGGGTTTCGGCTCTAAGGGCTCCTCCA[G>T]CTCGGTGACGTCCCGCGTGTACCAGGTGTCGCGCACGTCGGGCGGGGCCGGGGGCCTGGG-3'
Protein context (NP_001918.3, residues 37-57): RAGFGSKGSS[Ser47Ile]SVTSRVYQVS